The following is an entry in ClinVar:

NM_206933.4(USH2A):c.7291C>T (p.Pro2431Ser)

Gene: USH2A (usherin; minus strand). Cytogenetic location: 1q41.
Variant type: single nucleotide variant.
Coding change: c.7291C>T on transcript NM_206933.4 (MANE Select); coding-DNA position 7291, C replaced by T.
Protein change: p.Pro2431Ser; replaces proline 2431 with serine.
Molecular consequence: missense variant.
Genome position (GRCh38, 1-based): chr1:215,934,625, G>A on the plus strand (C>T on the coding strand, the complement: USH2A is on the minus strand). VCF-style: chr1-215934625-G-A. GRCh37 (hg19) VCF-style: chr1-216107967-G-A.
Other names: short protein forms P2431S.
Identifiers: ClinVar variation 391961 (VCV000391961.18), dbSNP rs148136966, ClinGen allele CA1394898.

ClinVar aggregate classification (germline): Uncertain significance. Review status: criteria provided, multiple submitters, no conflicts (2 of 4 stars). 8 submissions from 7 submitters: Uncertain significance (7). 1 of the submissions does not count toward it. Last evaluated 2026-05-18.

Conditions:
Retinitis pigmentosa 39 (RP39). Identifiers: Orphanet 791, MedGen C3151138, MONDO:0013436, OMIM 613809.
Usher syndrome type 2A. Also called: RETINAL DISEASE IN USHER SYNDROME TYPE IIA, MODIFIER OF; USHER SYNDROME, TYPE IIA. Identifiers: Orphanet 231178, Orphanet 886, MedGen C1848634, MONDO:0010169, OMIM 276901.
Inborn genetic diseases. Identifiers: MedGen C0950123, MeSH D030342.

Allele frequency attached by ClinVar (database versions not stated): gnomAD exomes 0.00002 and 0.00004; ExAC 0.00004; gnomAD 0.00014 and 0.00015; TOPMed 0.00020; ESP Exome Variant Server 0.00023.
gnomAD v4.1: 44 of 1,611,962 alleles (0.0027%); highest among the groups gnomAD compares: African/African-American, 0.056%; no homozygotes.

Submissions (8):

Women's Health and Genetics/Laboratory Corporation of America, LabCorp
Classification: Uncertain significance. Last evaluated: 2026-05-18. Review status: criteria provided, single submitter. Criteria: LabCorp Variant Classification Summary - May 2015. Collection method: clinical testing. Allele origin: germline.
Comment: Variant summary: USH2A c.7291C>T (p.Pro2431Ser) results in a non-conservative amino acid change in the encoded protein sequence. Algorithms developed to predict the effect of missense changes on protein structure and function are either unavailable or do not agree on the potential impact of this missense change. The variant allele was found at a frequency of 4.4e-05 in 250644 control chromosomes. This frequency is not significantly higher than estimated for disease-causing variants in USH2A, allowing no conclusion about variant significance. To our knowledge, no occurrence of c.7291C>T in individuals affected with USH2A-related conditions and no experimental evidence demonstrating its impact on protein function have been reported. ClinVar contains an entry for this variant (Variation ID: 391961). Based on the evidence outlined above, the variant was classified as uncertain significance.

GeneDx
Classification: Uncertain significance. Last evaluated: 2025-05-08. Review status: criteria provided, single submitter. Criteria: GeneDx Variant Classification Process June 2021. Collection method: clinical testing. Allele origin: germline. Affected: yes.
Comment: In silico analysis supports that this missense variant has a deleterious effect on protein structure/function; Has not been previously published as pathogenic or benign to our knowledge

Labcorp Genetics (formerly Invitae), Labcorp
Classification: Uncertain significance. Last evaluated: 2024-11-18. Review status: criteria provided, single submitter. Criteria: Invitae Variant Classification Sherloc (09022015). Collection method: clinical testing. Allele origin: germline.
Comment: This sequence change replaces proline, which is neutral and non-polar, with serine, which is neutral and polar, at codon 2431 of the USH2A protein (p.Pro2431Ser). This variant is present in population databases (rs148136966, gnomAD 0.06%). This variant has not been reported in the literature in individuals affected with USH2A-related conditions. ClinVar contains an entry for this variant (Variation ID: 391961). Invitae Evidence Modeling of protein sequence and biophysical properties (such as structural, functional, and spatial information, amino acid conservation, physicochemical variation, residue mobility, and thermodynamic stability) indicates that this missense variant is expected to disrupt USH2A protein function with a positive predictive value of 95%. In summary, the available evidence is currently insufficient to determine the role of this variant in disease. Therefore, it has been classified as a Variant of Uncertain Significance.

Blueprint Genetics
Classification: Uncertain significance. Last evaluated: 2024-08-06. Review status: criteria provided, single submitter. Criteria: ACMG Guidelines, 2015. Collection method: clinical testing. Allele origin: germline.

Ambry Genetics
Classification: Uncertain significance for Inborn genetic diseases. Last evaluated: 2023-12-07. Review status: criteria provided, single submitter. Criteria: Ambry Variant Classification Scheme 2023. Collection method: clinical testing. Allele origin: germline.

Genome-Nilou Lab
Classification: Uncertain significance for Retinitis pigmentosa 39. Last evaluated: 2023-11-04. Review status: criteria provided, single submitter. Criteria: ACMG Guidelines, 2015. Collection method: clinical testing. Allele origin: germline. Affected: no.

Genome-Nilou Lab
Classification: Uncertain significance for Usher syndrome type 2A. Last evaluated: 2023-11-04. Review status: criteria provided, single submitter. Criteria: ACMG Guidelines, 2015. Collection method: clinical testing. Allele origin: germline. Affected: no.

Natera, Inc.
Classification: Uncertain significance for Usher syndrome type 2A. Last evaluated: 2019-11-11. Review status: no assertion criteria provided. Collection method: clinical testing. Allele origin: germline. Not counted in ClinVar's aggregate classification.